The following is an entry in ClinVar:

ClinVar aggregate classification (germline): Likely benign (0 of 4 stars; one submission).

Conditions:
OTOG-related disorder. Also called: OTOG-related condition.

Allele frequency attached by ClinVar (database versions not stated): gnomAD exomes below 0.00001; TOPMed 0.00001; gnomAD 0.00002.
gnomAD v4.1: 10 of 1,431,392 alleles (0.0007%); highest among the groups gnomAD compares: Admixed American, 0.0061%; no homozygotes.

Submission:

PreventionGenetics, part of Exact Sciences
Classification: Likely benign for OTOG-related condition. Last evaluated: 2019-06-11. Review status: no assertion criteria provided. Collection method: clinical testing. Allele origin: germline.
Comment: This variant is classified as likely benign based on ACMG/AMP sequence variant interpretation guidelines (Richards et al. 2015 PMID: 25741868, with internal and published modifications).

NM_001292063.2(OTOG):c.540+3G>A

Gene: OTOG (otogelin; plus strand). Cytogenetic location: 11p15.1.
Variant type: single nucleotide variant.
Coding change: c.540+3G>A on transcript NM_001292063.2 (MANE Select); 3 bases into the intron after coding-DNA position 540, G replaced by A.
Molecular consequence: intron variant.
Genome position (GRCh38, 1-based): chr11:17,553,522, G>A. VCF-style: chr11-17553522-G-A. GRCh37 (hg19) VCF-style: chr11-17575069-G-A.
Other names: c.576+3G>A (NM_001277269.2).
Identifiers: ClinVar variation 3033159 (VCV003033159.2), dbSNP rs1214297784, ClinGen allele CA597904651.